The following is an entry in ClinVar:

ClinVar aggregate classification (germline): Uncertain significance. Review status: criteria provided, multiple submitters, no conflicts (2 of 4 stars). 3 submissions from 2 submitters: Uncertain significance (3). Last evaluated 2022-09-20.

Conditions:
Gastrointestinal stromal tumor. Also called: Gastrointestinal stroma tumor; Gastrointestinal stromal tumor, somatic. Identifiers: Orphanet 44890, MedGen C0238198, MeSH D046152, MONDO:0011719, OMIM 606764, HP:0100723.
Idiopathic hypereosinophilic syndrome (HES). Identifiers: Orphanet 3260, MedGen C0206141, MONDO:0011895, OMIM 607685. Disease mechanism: gain of function.

Submissions (3):

Labcorp Genetics (formerly Invitae), Labcorp
Classification: Uncertain significance for Gastrointestinal stromal tumor. Last evaluated: 2022-09-20. Review status: criteria provided, single submitter. Criteria: Invitae Variant Classification Sherloc (09022015). Collection method: clinical testing. Allele origin: germline.
Comment: In summary, the available evidence is currently insufficient to determine the role of this variant in disease. Therefore, it has been classified as a Variant of Uncertain Significance. This sequence change replaces lysine, which is basic and polar, with asparagine, which is neutral and polar, at codon 666 of the PDGFRA protein (p.Lys666Asn). This variant is not present in population databases (gnomAD no frequency). This variant has not been reported in the literature in individuals affected with PDGFRA-related conditions. ClinVar contains an entry for this variant (Variation ID: 903215). Algorithms developed to predict the effect of missense changes on protein structure and function (SIFT, PolyPhen-2, Align-GVGD) all suggest that this variant is likely to be disruptive.

Illumina Laboratory Services, Illumina
Classification: Uncertain significance for Idiopathic hypereosinophilic syndrome. Last evaluated: 2018-01-12. Review status: criteria provided, single submitter. Criteria: ICSL Variant Classification Criteria 13 December 2019. Collection method: clinical testing. Allele origin: germline.

Illumina Laboratory Services, Illumina
Classification: Uncertain significance for Gastrointestinal stromal tumor. Last evaluated: 2018-01-12. Review status: criteria provided, single submitter. Criteria: ICSL Variant Classification Criteria 13 December 2019. Collection method: clinical testing. Allele origin: germline.

NM_006206.6(PDGFRA):c.1998G>C (p.Lys666Asn)

Gene: PDGFRA (platelet derived growth factor receptor alpha; plus strand). Cytogenetic location: 4q12.
Variant type: single nucleotide variant.
Coding change: c.1998G>C on transcript NM_006206.6 (MANE Select); coding-DNA position 1998, G replaced by C.
Protein change: p.Lys666Asn; replaces lysine 666 with asparagine.
Molecular consequence: missense variant.
Genome position (GRCh38, 1-based): chr4:54,278,002, G>C. VCF-style: chr4-54278002-G-C. GRCh37 (hg19) VCF-style: chr4-55144169-G-C.
Other names: c.1998G>C, p.Lys666Asn (NM_001347827.2, NM_001347829.2); c.2073G>C, p.Lys691Asn (NM_001347828.2); c.2037G>C, p.Lys679Asn (NM_001347830.2); short protein forms K666N, K679N, K691N.
Identifiers: ClinVar variation 903215 (VCV000903215.12), dbSNP rs1723832515, ClinGen allele CA356893795.